The following is an entry in ClinVar:

ClinVar aggregate classification (germline): Uncertain significance (1 of 4 stars; one submission).

Conditions:
Niemann-Pick disease, type A. Also called: SPHINGOMYELIN LIPIDOSIS; SPHINGOMYELINASE DEFICIENCY; Infantile Neurovisceral ASMD (Niemann-Pick Disease Type A; NPD-A). Identifiers: Orphanet 77292, MedGen C0268242, MONDO:0009756, OMIM 257200. Disease mechanism: loss of function.

Submission:

Neuberg Centre For Genomic Medicine, NCGM
Classification: Uncertain significance for Niemann-Pick disease, type A. Review status: criteria provided, single submitter. Criteria: ACMG Guidelines, 2015. Collection method: clinical testing. Allele origin: germline. Inheritance: Autosomal recessive inheritance. Affected: yes.
Comment: The missense variant c.1510G>C (p.Gly504Arg) in SMPD1 gene has not been reported previously as a pathogenic variant nor as a benign variant, to our knowledge. The p.Gly504Arg variant is absent in gnomAD exomes database. This variant has not been submitted to the ClinVar database. Computational evidence (SIFT - damaging and MutationTaster - disease causing) predict a damaging effect on protein structure and function for this variant. The reference amino acid at this position on SMPD1 gene is predicted as conserved by GERP++ and PhyloP across 100 vertebrates. The amino acid Gly at position 504 is changed to a Arg changing protein sequence and it might alter its composition and physico-chemical properties. For these reasons, this variant has been classified as Uncertain Significance (VUS).

NM_000543.5(SMPD1):c.1510G>C (p.Gly504Arg)

Gene: SMPD1 (sphingomyelin phosphodiesterase 1; plus strand). Cytogenetic location: 11p15.4.
Variant type: single nucleotide variant.
Coding change: c.1510G>C on transcript NM_000543.5 (MANE Select); coding-DNA position 1510, G replaced by C.
Protein change: p.Gly504Arg; replaces glycine 504 with arginine.
Molecular consequence: missense variant. On other transcripts: 3 prime UTR variant (1), non-coding transcript variant (2).
Genome position (GRCh38, 1-based): chr11:6,394,221, G>C. VCF-style: chr11-6394221-G-C. GRCh37 (hg19) VCF-style: chr11-6415451-G-C.
Other names: c.1507G>C, p.Gly503Arg (NM_001007593.3); c.*3G>C (NM_001318087.2); c.589G>C, p.Gly197Arg (NM_001318088.2); c.1378G>C, p.Gly460Arg (NM_001365135.2); short protein forms G197R, G460R, G503R, G504R.
Identifiers: ClinVar variation 3731401 (VCV003731401.1).
Genomic context (GRCh38, chr11:6,394,221, plus strand): 5'-GCTCCTTGCCCCTCCAGTCAGCCCCACATCCTTGCAGGTTACCGTGTGTACCAAATAGAT[G>C]GAAACTACTCCGGGAGCTCTCACGTGGTCCTGGACCATGAGACCTACATCCTGAATCTGA-3'
Protein context (NP_000534.3, residues 494-514): NPGYRVYQID[Gly504Arg]NYSGSSHVVL